The following is an entry in ClinVar:

ClinVar aggregate classification (germline): VUS-mid (0 of 4 stars; one submission).

Conditions:
Autosomal recessive nonsyndromic hearing loss 9. Also called: NEUROSENSORY NONSYNDROMIC RECESSIVE DEAFNESS 9; OTOF-Related Hearing Loss; Deafness, autosomal recessive 9; AUDITORY NEUROPATHY, AUTOSOMAL RECESSIVE, 1, TEMPERATURE-SENSITIVE. Identifiers: Orphanet 90636, MedGen C1832828, MONDO:0010986, OMIM 601071.

Submission:

Diagnosis and Treatment Center of Genetic Hearing Loss, Eye & ENT Hospital of Fudan University
Classification: VUS-mid for Autosomal recessive nonsyndromic hearing loss 9. Last evaluated: 2026-02-04. Review status: no assertion criteria provided. Collection method: clinical testing. Allele origin: germline. Inheritance: Autosomal recessive inheritance. Affected: yes.
Comment: The c.2225T>C missense variant in OTOF is absent from population databases (PM2_Supporting). The REVEL score is 0.839 (PP3_Moderate).

NM_194248.3(OTOF):c.2225T>C (p.Leu742Pro)

Genes: OTOF (otoferlin; minus strand), LOC129933334 (ATAC-STARR-seq lymphoblastoid active region 15473; plus strand). Cytogenetic location: 2p23.3.
Variant type: single nucleotide variant.
Coding change: c.2225T>C on transcript NM_194248.3 (MANE Select); coding-DNA position 2225, T replaced by C.
Protein change: p.Leu742Pro; replaces leucine 742 with proline.
Molecular consequence: missense variant. On other transcripts: 5 prime UTR variant (2).
Genome position (GRCh38, 1-based): chr2:26,477,739, A>G on the plus strand (T>C on the coding strand, the complement: OTOF is on the minus strand). VCF-style: chr2-26477739-A-G. GRCh37 (hg19) VCF-style: chr2-26700607-A-G.
Other names: c.2225T>C, p.Leu742Pro (NM_001287489.2); c.-17T>C (NM_004802.4, NM_194323.3); c.155T>C, p.Leu52Pro (NM_194322.3); short protein forms L52P, L742P.
Identifiers: ClinVar variation 4879947 (VCV004879947.1).